The following is an entry in ClinVar:

NM_000310.4(PPT1):c.330T>A (p.Asn110Lys)

Gene: PPT1 (palmitoyl-protein thioesterase 1; minus strand). Cytogenetic location: 1p34.2.
Variant type: single nucleotide variant.
Coding change: c.330T>A on transcript NM_000310.4 (MANE Select); coding-DNA position 330, T replaced by A.
Protein change: p.Asn110Lys; replaces asparagine 110 with lysine.
Molecular consequence: missense variant. On other transcripts: intron variant (1).
Genome position (GRCh38, 1-based): chr1:40,092,077, A>T on the plus strand (T>A on the coding strand, the complement: PPT1 is on the minus strand). VCF-style: chr1-40092077-A-T. GRCh37 (hg19) VCF-style: chr1-40557749-A-T.
Other names: c.330T>A, p.Asn110Lys (NM_001363695.2); c.125-2565T>A (NM_001142604.2); short protein forms N110K.
Identifiers: ClinVar variation 3015048 (VCV003015048.3), dbSNP rs1320425016, ClinGen allele CA339849025.

ClinVar aggregate classification (germline): Likely pathogenic (1 of 4 stars; one submission).

Conditions:
Neuronal ceroid lipofuscinosis 1 (CLN1). Also called: CEROID LIPOFUSCINOSIS, NEURONAL, 1, VARIABLE AGE AT ONSET; PPT1-Related Neuronal Ceroid-Lipofuscinosis. Identifiers: Orphanet 228329, MedGen C1850451, MONDO:0009744, OMIM 256730.

Submission:

Labcorp Genetics (formerly Invitae), Labcorp
Classification: Likely pathogenic for Neuronal ceroid lipofuscinosis 1. Last evaluated: 2022-11-20. Review status: criteria provided, single submitter. Criteria: Invitae Variant Classification Sherloc (09022015). Collection method: clinical testing. Allele origin: germline.
Comment: In summary, the currently available evidence indicates that the variant is pathogenic, but additional data are needed to prove that conclusively. Therefore, this variant has been classified as Likely Pathogenic. This variant disrupts the p.Asn110 amino acid residue in PPT1. Other variant(s) that disrupt this residue have been determined to be pathogenic (PMID: 30541466). This suggests that this residue is clinically significant, and that variants that disrupt this residue are likely to be disease-causing. Advanced modeling of protein sequence and biophysical properties (such as structural, functional, and spatial information, amino acid conservation, physicochemical variation, residue mobility, and thermodynamic stability) performed at Invitae indicates that this missense variant is expected to disrupt PPT1 protein function. This variant has not been reported in the literature in individuals affected with PPT1-related conditions. This variant is not present in population databases (gnomAD no frequency). This sequence change replaces asparagine, which is neutral and polar, with lysine, which is basic and polar, at codon 110 of the PPT1 protein (p.Asn110Lys).

Literature cited by the submitters: PubMed 30541466.